The following is an entry in ClinVar:

NM_203486.3(DLL3):c.338G>C (p.Arg113Pro)

Gene: DLL3 (delta like canonical Notch ligand 3; plus strand). Cytogenetic location: 19q13.2.
Variant type: single nucleotide variant.
Coding change: c.338G>C on transcript NM_203486.3 (MANE Select); coding-DNA position 338, G replaced by C.
Protein change: p.Arg113Pro; replaces arginine 113 with proline.
Molecular consequence: missense variant.
Genome position (GRCh38, 1-based): chr19:39,499,460, G>C. VCF-style: chr19-39499460-G-C. GRCh37 (hg19) VCF-style: chr19-39990100-G-C.
Other names: c.338G>C, p.Arg113Pro (NM_016941.4); short protein forms R113P.
Identifiers: ClinVar variation 2130248 (VCV002130248.4), dbSNP rs1463336443, ClinGen allele CA405794231.
Genomic context (GRCh38, chr19:39,499,460, plus strand): 5'-AGCCCGGAGCGCCCGCGCCTGATCTCCCACTGCCCGACGGCCTCTTGCAGGTGCCCTTCC[G>C]GGACGCCTGGCCTGTAAGTGCTGCCCCCGGGGGACTCCCGGTGCTGGAGGCCTAACCCTG-3'
Protein context (NP_982353.1, residues 103-123): LPDGLLQVPF[Arg113Pro]DAWPGTFSFI

ClinVar aggregate classification (germline): Uncertain significance (1 of 4 stars; one submission).

Submission:

Labcorp Genetics (formerly Invitae), Labcorp
Classification: Uncertain significance. Last evaluated: 2022-08-12. Review status: criteria provided, single submitter. Criteria: Invitae Variant Classification Sherloc (09022015). Collection method: clinical testing. Allele origin: germline.
Comment: In summary, the available evidence is currently insufficient to determine the role of this variant in disease. Therefore, it has been classified as a Variant of Uncertain Significance. Algorithms developed to predict the effect of missense changes on protein structure and function are either unavailable or do not agree on the potential impact of this missense change (SIFT: "Deleterious"; PolyPhen-2: "Possibly Damaging"; Align-GVGD: "Class C0"). This variant has not been reported in the literature in individuals affected with DLL3-related conditions. This variant is not present in population databases (gnomAD no frequency). This sequence change replaces arginine, which is basic and polar, with proline, which is neutral and non-polar, at codon 113 of the DLL3 protein (p.Arg113Pro).